The following is an entry in ClinVar:

NM_001276270.2(MBD4):c.1569G>C (p.Lys523Asn)

Gene: MBD4 (methyl-CpG binding domain 4, DNA glycosylase; minus strand). Cytogenetic location: 3q21.3.
Variant type: single nucleotide variant.
Coding change: c.1569G>C on transcript NM_001276270.2 (MANE Select); coding-DNA position 1569, G replaced by C.
Protein change: p.Lys523Asn; replaces lysine 523 with asparagine.
Molecular consequence: missense variant.
Genome position (GRCh38, 1-based): chr3:129,432,581, C>G on the plus strand (G>C on the coding strand, the complement: MBD4 is on the minus strand). VCF-style: chr3-129432581-C-G. GRCh37 (hg19) VCF-style: chr3-129151424-C-G.
Other names: c.1587G>C, p.Lys529Asn (NM_001276271.2, NM_001276272.2, NM_003925.3); c.633G>C, p.Lys211Asn (NM_001276273.2); short protein forms K529N, K523N, K211N.
Identifiers: ClinVar variation 2702154 (VCV002702154.3), dbSNP rs2530696734, ClinGen allele CA354465008.

ClinVar aggregate classification (germline): Uncertain significance (1 of 4 stars; one submission).

Submission:

Labcorp Genetics (formerly Invitae), Labcorp
Classification: Uncertain significance. Last evaluated: 2023-12-11. Review status: criteria provided, single submitter. Criteria: Invitae Variant Classification Sherloc (09022015). Collection method: clinical testing. Allele origin: germline.
Comment: This sequence change replaces lysine, which is basic and polar, with asparagine, which is neutral and polar, at codon 529 of the MBD4 protein (p.Lys529Asn). This variant is not present in population databases (gnomAD no frequency). This variant has not been reported in the literature in individuals affected with MBD4-related conditions. An algorithm developed to predict the effect of missense changes on protein structure and function (PolyPhen-2) suggests that this variant is likely to be disruptive. In summary, the available evidence is currently insufficient to determine the role of this variant in disease. Therefore, it has been classified as a Variant of Uncertain Significance.